The following is an entry in ClinVar:

ClinVar aggregate classification (germline): Conflicting classifications of pathogenicity. Review status: criteria provided, conflicting classifications (1 of 4 stars). 5 submissions from 5 submitters: Uncertain significance (3); Likely benign (2). Last evaluated 2025-07-23.

Conditions:
ANKRD26-related disorder. Also called: ANKRD26-related condition.
Inborn genetic diseases. Identifiers: MedGen C0950123, MeSH D030342.

Allele frequency attached by ClinVar (database versions not stated): gnomAD exomes 0.00001; ExAC 0.00002; gnomAD 0.00014; TOPMed 0.00014.
gnomAD v4.1: 35 of 1,612,274 alleles (0.0022%); highest among the groups gnomAD compares: African/African-American, 0.044%; no homozygotes.

Submissions (5):

Labcorp Genetics (formerly Invitae), Labcorp
Classification: Uncertain significance. Last evaluated: 2025-07-23. Review status: criteria provided, single submitter. Criteria: Invitae Variant Classification Sherloc (09022015). Collection method: clinical testing. Allele origin: germline.
Comment: This sequence change replaces glutamic acid, which is acidic and polar, with aspartic acid, which is acidic and polar, at codon 32 of the ANKRD26 protein (p.Glu32Asp). This variant is present in population databases (rs779596861, gnomAD 0.02%). This variant has not been reported in the literature in individuals affected with ANKRD26-related conditions. ClinVar contains an entry for this variant (Variation ID: 2167419). An algorithm developed to predict the effect of missense changes on protein structure and function outputs the following: PolyPhen-2: "Benign". The aspartic acid amino acid residue is found in multiple mammalian species, which suggests that this missense change does not adversely affect protein function. In summary, the available evidence is currently insufficient to determine the role of this variant in disease. Therefore, it has been classified as a Variant of Uncertain Significance.

Ambry Genetics
Classification: Likely benign for Inborn genetic diseases. Last evaluated: 2024-12-12. Review status: criteria provided, single submitter. Criteria: Ambry Variant Classification Scheme 2023. Collection method: clinical testing. Allele origin: germline.

PreventionGenetics, part of Exact Sciences
Classification: Uncertain significance for ANKRD26-related condition. Last evaluated: 2024-10-18. Review status: criteria provided, single submitter. Criteria: ACMG Guidelines, 2015. Collection method: clinical testing. Allele origin: germline.
Comment: The ANKRD26 c.96G>C variant is predicted to result in the amino acid substitution p.Glu32Asp. To our knowledge, this variant has not been reported in the literature. This variant is reported in 0.021% of alleles in individuals of African descent in gnomAD. Although we suspect that this variant may be benign, at this time, the clinical significance of this variant is uncertain due to the absence of conclusive functional and genetic evidence.

Blueprint Genetics
Classification: Likely benign. Last evaluated: 2024-10-09. Review status: criteria provided, single submitter. Criteria: ACMG Guidelines, 2015. Collection method: clinical testing. Allele origin: germline.

GeneDx
Classification: Uncertain significance. Last evaluated: 2024-02-12. Review status: criteria provided, single submitter. Criteria: GeneDx Variant Classification Process June 2021. Collection method: clinical testing. Allele origin: germline. Affected: yes.
Comment: In silico analysis supports that this missense variant does not alter protein structure/function; Has not been previously published as pathogenic or benign to our knowledge

NM_014915.3(ANKRD26):c.96G>C (p.Glu32Asp)

Genes: ANKRD26 (ankyrin repeat domain 26; minus strand), LOC130003554 (ATAC-STARR-seq lymphoblastoid silent region 2243; plus strand). Cytogenetic location: 10p12.1.
Variant type: single nucleotide variant.
Coding change: c.96G>C on transcript NM_014915.3 (MANE Select); coding-DNA position 96, G replaced by C.
Protein change: p.Glu32Asp; replaces glutamic acid 32 with aspartic acid.
Molecular consequence: missense variant.
Genome position (GRCh38, 1-based): chr10:27,100,231, C>G on the plus strand (G>C on the coding strand, the complement: ANKRD26 is on the minus strand). VCF-style: chr10-27100231-C-G. GRCh37 (hg19) VCF-style: chr10-27389160-C-G.
Other names: c.96G>C, p.Glu32Asp (NM_001256053.2); short protein forms E32D.
Identifiers: ClinVar variation 2167419 (VCV002167419.9), dbSNP rs779596861, ClinGen allele CA5449070.